The following is an entry in ClinVar:

ClinVar aggregate classification (germline): Conflicting classifications of pathogenicity. Review status: criteria provided, conflicting classifications (1 of 4 stars). 18 submissions from 18 submitters: Uncertain significance (13); Benign (1); Likely benign (1). 3 of the submissions do not count toward it. Last evaluated 2026-07-06.

Conditions:
PMS2-related disorder. Also called: PMS2-related condition.
Hereditary nonpolyposis colorectal neoplasms. Identifiers: MedGen C0009405, MeSH D003123.
Hereditary cancer. Identifiers: MedGen C1333600.
Hereditary cancer-predisposing syndrome. Also called: Neoplastic Syndromes, Hereditary; Tumor predisposition; Hereditary Cancer Syndrome; Hereditary neoplastic syndrome. Identifiers: Orphanet 140162, MedGen C0027672, MeSH D009386, MONDO:0015356.
Ovarian cancer. Also called: OVARIAN CANCER, SOMATIC. Identifiers: Orphanet 213500, MedGen C1140680, MONDO:0008170, OMIM 167000.
Lynch syndrome. Identifiers: Orphanet 144, MedGen C4552100, MONDO:0005835. Disease mechanism: loss of function.
Lynch syndrome 4 (LYNCH4). Also called: Colorectal cancer, hereditary nonpolyposis, type 4; Hereditary non-polyposis colorectal cancer, type 4. Identifiers: Orphanet 144, MedGen C1838333, MONDO:0013699, OMIM 614337. Disease mechanism: loss of function.

Allele frequency attached by ClinVar (database versions not stated): gnomAD exomes 0.00005 and 0.00011; gnomAD 0.00015 and 0.00016; 1000 Genomes Project 0.00020; ExAC 0.00023; ESP Exome Variant Server 0.00029; 1000 Genomes Project 30x 0.00031.
gnomAD v4.1: 96 of 1,565,522 alleles (0.0061%); highest among the groups gnomAD compares: African/African-American, 0.046%; 1 homozygote.

Submissions 1 to 13 of 18:

PreventionGenetics, part of Exact Sciences
Classification: Uncertain significance for PMS2-related condition. Last evaluated: 2026-07-06. Review status: criteria provided, single submitter. Criteria: ACMG Guidelines, 2015. Collection method: clinical testing. Allele origin: germline.
Comment: The PMS2 c.2437C>T variant is predicted to result in the amino acid substitution p.Arg813Trp. This variant has been reported in an individual with colorectal cancer (Chang et al. 2016. PubMed ID: 26900293) and in individuals with breast cancer (Supp. Table 3, Mittal et al. 2022. PubMed ID: 36200007; Supp. Data 1 Hu et al. 2022. PubMed ID: 35449176). This variant is reported in 0.035% of alleles in individuals of East Asian descent in gnomAD and has conflicting interpretations in ClinVar ranging from uncertain to likely benign (Variation ID: 127783). At this time, the clinical significance of this variant is uncertain due to the absence of conclusive functional and genetic evidence.

Labcorp Genetics (formerly Invitae), Labcorp
Classification: Benign for Hereditary nonpolyposis colorectal neoplasms. Last evaluated: 2026-02-02. Review status: criteria provided, single submitter. Criteria: Invitae Variant Classification Sherloc (09022015). Collection method: clinical testing. Allele origin: germline.

Center for Genomic Medicine, Rigshospitalet, Copenhagen University Hospital
Classification: Uncertain significance. Last evaluated: 2025-12-29. Review status: criteria provided, single submitter. Criteria: ACMG Guidelines, 2015. Collection method: clinical testing. Allele origin: germline.
Comment: Classification criteria: PP3_Moderate, BS1_Strong

Color Diagnostics, LLC DBA Color Health
Classification: Uncertain significance for Hereditary cancer-predisposing syndrome. Last evaluated: 2025-06-17. Review status: criteria provided, single submitter. Criteria: ACMG Guidelines, 2015. Collection method: clinical testing. Allele origin: germline.
Comment: This missense variant replaces arginine with tryptophan at codon 813 of the PMS2 protein. Computational prediction suggests that this variant may have deleterious impact on protein structure and function. To our knowledge, functional studies have not been reported for this variant. This variant has been reported in three individuals affected with colorectal cancer (PMID: 26900293, 34172528) and in an unaffected individual (PMID 33413596). This variant has been identified in 19/201724 chromosomes in the general population by the Genome Aggregation Database (gnomAD). The available evidence is insufficient to determine the role of this variant in disease conclusively. Therefore, this variant is classified as a Variant of Uncertain Significance.

Hereditary Cancer Laboratory, Hospital Universitario 12 de Octubre
Classification: Uncertain significance for Hereditary cancer-predisposing syndrome. Last evaluated: 2025-04-13. Review status: criteria provided, single submitter. Criteria: ACMG Guidelines, 2015. Collection method: clinical testing. Allele origin: germline.

Molecular Pathology, Peter Maccallum Cancer Centre
Classification: Uncertain significance for Lynch syndrome 4. Last evaluated: 2025-03-08. Review status: criteria provided, single submitter. Criteria: ACMG Guidelines, 2015. Collection method: clinical testing. Allele origin: germline. Inheritance: Autosomal dominant inheritance.

Ambry Genetics
Classification: Uncertain significance for Hereditary cancer-predisposing syndrome. Last evaluated: 2025-01-23. Review status: criteria provided, single submitter. Criteria: Ambry Variant Classification Scheme 2023. Collection method: clinical testing. Allele origin: germline.
Comment: The p.R813W variant (also known as c.2437C>T), located in coding exon 14 of the PMS2 gene, results from a C to T substitution at nucleotide position 2437. The arginine at codon 813 is replaced by tryptophan, an amino acid with dissimilar properties. One study detected this alteration in 1/103 individuals diagnosed with colorectal cancer (Chang YC et al. World J. Gastroenterol., 2016 Feb;22:2314-25). This alteration has also been reported in a cohort of 235 individuals diagnosed with breast cancer (Mittal A et al. Ecancermedicalscience, 2022 Aug;16:1434). This amino acid position is highly conserved in available vertebrate species. In addition, this alteration is predicted to be deleterious by in silico analysis. Based on the available evidence, the clinical significance of this variant remains unclear.

Women's Health and Genetics/Laboratory Corporation of America, LabCorp
Classification: Uncertain significance. Last evaluated: 2025-01-13. Review status: criteria provided, single submitter. Criteria: LabCorp Variant Classification Summary - May 2015. Collection method: clinical testing. Allele origin: germline.
Comment: Variant summary: PMS2 c.2437C>T (p.Arg813Trp) results in a non-conservative amino acid change located in the MutL, C-terminal, dimerisation domain (IPR014790) of the encoded protein sequence. Five of five in-silico tools predict a damaging effect of the variant on protein function. The variant allele was found at a frequency of 6.1e-05 in 1565522 control chromosomes in the gnomAD database, including 1 homozygote. This frequency is not significantly higher than estimated for a pathogenic variant in PMS2 causing Hereditary Nonpolyposis Colorectal Cancer (6.1e-05 vs 7.1e-05), allowing no conclusion about variant significance. Additionally, this allele frequency needs to be cautiously considered due to the possibility of the PMS2 pseudogene being captured. c.2437C>T has been reported in the literature in individuals affected with Colorectal Cancer (Chang_2016), therapy-related myeloid neoplasms (Singhal_2021), gastric cancer (Zhang_2021), and breast cancer (Hu_2022, Mittal_2022), or with suspected unspecified cancer syndrome (Bouras_2024), however, all without strong evidence for causality. These reports do not provide unequivocal conclusions about association of the variant with Hereditary Nonpolyposis Colorectal Cancer. To our knowledge, no experimental evidence demonstrating an impact on protein function has been reported. The following publications have been ascertained in the context of this evaluation (PMID: 37534630, 33413596, 26900293, 35449176, 36200007, 33850299, 34567566). ClinVar contains an entry for this variant (Variation ID: 127783). Based on the evidence outlined above, the variant was classified as uncertain significance.

Department of Pathology and Laboratory Medicine, Sinai Health System
Classification: Uncertain significance for Lynch syndrome. Last evaluated: 2024-09-19. Review status: criteria provided, single submitter. Criteria: ACMG Guidelines, 2015. Collection method: clinical testing. Allele origin: germline. Affected: yes.

GeneDx
Classification: Uncertain significance. Last evaluated: 2024-07-15. Review status: criteria provided, single submitter. Criteria: GeneDx Variant Classification Process June 2021. Collection method: clinical testing. Allele origin: germline. Affected: yes.
Comment: In silico analysis supports that this missense variant has a deleterious effect on protein structure/function; Observed in individual(s) with breast cancer (PMID: 36200007); This variant is associated with the following publications: (PMID: 26900293, 33413596, 37534630, 18619468, 36200007)

Clinical Genetics Laboratory, Skane University Hospital Lund
Classification: Uncertain significance. Last evaluated: 2024-03-21. Review status: criteria provided, single submitter. Criteria: ACMG Guidelines, 2015. Collection method: clinical testing. Allele origin: germline. Affected: yes.

Mendelics
Classification: Likely benign for Hereditary cancer. Last evaluated: 2024-01-23. Review status: criteria provided, single submitter. Criteria: ACMG Guidelines, 2015. Collection method: clinical testing. Allele origin: unknown.

Baylor Genetics
Classification: Uncertain significance for Lynch syndrome 4. Last evaluated: 2023-10-18. Review status: criteria provided, single submitter. Criteria: ACMG Guidelines, 2015. Collection method: clinical testing. Allele origin: unknown.

NM_000535.7(PMS2):c.2437C>T (p.Arg813Trp)

Gene: PMS2 (PMS1 homolog 2, mismatch repair system component; minus strand). Cytogenetic location: 7p22.1.
Variant type: single nucleotide variant.
Coding change: c.2437C>T on transcript NM_000535.7 (MANE Select); coding-DNA position 2437, C replaced by T.
Protein change: p.Arg813Trp; replaces arginine 813 with tryptophan.
Molecular consequence: missense variant. On other transcripts: non-coding transcript variant (1).
Genome position (GRCh38, 1-based): chr7:5,977,596, G>A on the plus strand (C>T on the coding strand, the complement: PMS2 is on the minus strand). VCF-style: chr7-5977596-G-A. GRCh37 (hg19) VCF-style: chr7-6017227-G-A.
Other names: c.2032C>T, p.Arg678Trp (NM_001322003.2, NM_001322004.2, NM_001322005.2); c.2281C>T, p.Arg761Trp (NM_001322006.2); c.2119C>T, p.Arg707Trp (NM_001322007.2, NM_001322008.2); c.2065C>T, p.Arg689Trp (NM_001322009.2); c.1876C>T, p.Arg626Trp (NM_001322010.2); c.1504C>T, p.Arg502Trp (NM_001322011.2, NM_001322012.2); c.1864C>T, p.Arg622Trp (NM_001322013.2); c.2470C>T, p.Arg824Trp (NM_001322014.2); and 1 more; short protein forms R813W, R626W, R502W, R678W, R707W, R622W, R689W, R761W.
Identifiers: ClinVar variation 127783 (VCV000127783.43), dbSNP rs375968016, ClinGen allele CA011485.
Genomic context (GRCh38, chr7:5,977,596, plus strand): 5'-CTCGACTGCAAGCTTGAGCAGCTGAGCTGACAGCCAGGCTTTCTTTACTTACCGACTTCC[G>A]GCAGGCTCTGGAGGCAAACATCTGCTTGACTCGGGAAGGCCGGCACATGACCCCAGGGCT-3'
Protein context (NP_000526.2, residues 803-823): VKQMFASRAC[Arg813Trp]KSVMIGTALN